The following is an entry in ClinVar:

NM_001621.5(AHR):c.1464_1469del (p.Ser489_Met490del)

Gene: AHR (aryl hydrocarbon receptor; plus strand). Cytogenetic location: 7p21.1.
Variant type: Deletion.
Coding change: c.1464_1469del on transcript NM_001621.5 (MANE Select); coding-DNA positions 1464 to 1469, 6 bases deleted (ATCTAT; older notation c.1464_1469delATCTAT).
Protein change: p.Ser489_Met490del.
Molecular consequence: inframe deletion.
Genome position (GRCh38, 1-based): chr7:17,339,289-17,339,294, ATCTAT deleted. VCF-style (leftmost placement, unchanged base first): chr7-17339288-AATCTAT-A. GRCh37 (hg19) VCF-style: chr7-17378912-AATCTAT-A.
Identifiers: ClinVar variation 1348808 (VCV001348808.8), dbSNP rs2115369698, ClinGen allele CA2573141325.

ClinVar aggregate classification (germline): Uncertain significance (1 of 4 stars; one submission).

Submission:

Labcorp Genetics (formerly Invitae), Labcorp
Classification: Uncertain significance. Last evaluated: 2022-10-17. Review status: criteria provided, single submitter. Criteria: Invitae Variant Classification Sherloc (09022015). Collection method: clinical testing. Allele origin: germline.
Comment: ClinVar contains an entry for this variant (Variation ID: 1348808). This variant has not been reported in the literature in individuals affected with AHR-related conditions. This variant is not present in population databases (gnomAD no frequency). This variant, c.1464_1469del, results in the deletion of 2 amino acid(s) of the AHR protein (p.Ser489_Met490del), but otherwise preserves the integrity of the reading frame. Experimental studies and prediction algorithms are not available or were not evaluated, and the functional significance of this variant is currently unknown. In summary, the available evidence is currently insufficient to determine the role of this variant in disease. Therefore, it has been classified as a Variant of Uncertain Significance.